The following is an entry in ClinVar:

NM_001127222.2(CACNA1A):c.2046C>T (p.Gly682=)

Gene: CACNA1A (calcium voltage-gated channel subunit alpha1 A; minus strand). Cytogenetic location: 19p13.13.
Variant type: single nucleotide variant.
Coding change: c.2046C>T on transcript NM_001127222.2 (MANE Select); coding-DNA position 2046, C replaced by T.
Protein change: p.Gly682=; no amino-acid change (glycine 682 retained).
Molecular consequence: synonymous variant.
Genome position (GRCh38, 1-based): chr19:13,303,825, G>A on the plus strand (C>T on the coding strand, the complement: CACNA1A is on the minus strand). VCF-style: chr19-13303825-G-A. GRCh37 (hg19) VCF-style: chr19-13414639-G-A.
Other names: c.2049C>T, p.Gly683= (NM_000068.4, NM_001127221.2, NM_001174080.2 and 1 more transcripts).
Identifiers: ClinVar variation 389858 (VCV000389858.56), dbSNP rs535077726, ClinGen allele CA9240643.

ClinVar aggregate classification (germline): Likely benign. Review status: criteria provided, multiple submitters, no conflicts (2 of 4 stars). 6 submissions from 6 submitters: Likely benign (6). Last evaluated 2025-10-04.

Conditions:
Developmental and epileptic encephalopathy, 42 (DEE42A). Also called: DEVELOPMENTAL AND EPILEPTIC ENCEPHALOPATHY 42A; EPILEPTIC ENCEPHALOPATHY, EARLY INFANTILE, 42A; Epileptic encephalopathy, early infantile, 42. Identifiers: MedGen C4310716, MONDO:0014917, OMIM 617106.
Episodic ataxia type 2 (EA2). Also called: ATAXIA, EPISODIC, WITH NYSTAGMUS; ATAXIA, FAMILIAL PAROXYSMAL; CEREBELLAR ATAXIA, PAROXYSMAL, ACETAZOLAMIDE-RESPONSIVE; CEREBELLOPATHY, HEREDITARY PAROXYSMAL; ACETAZOLAMIDE-RESPONSIVE HEREDITARY PAROXYSMAL CEREBELLAR ATAXIA; EPISODIC ATAXIA, NYSTAGMUS-ASSOCIATED. Identifiers: Orphanet 97, MedGen C1720416, MONDO:0007163, OMIM 108500.
Inborn genetic diseases. Identifiers: MedGen C0950123, MeSH D030342.

Allele frequency attached by ClinVar (database versions not stated): TOPMed 0.00005; gnomAD 0.00009 and 0.00011; 1000 Genomes Project 30x 0.00016; 1000 Genomes Project 0.00020.
gnomAD v4.1: 66 of 1,613,522 alleles (0.0041%); highest among the groups gnomAD compares: African/African-American, 0.017%; no homozygotes.

Submissions (6):

Labcorp Genetics (formerly Invitae), Labcorp
Classification: Likely benign for Developmental and epileptic encephalopathy, 42; Episodic ataxia type 2. Last evaluated: 2025-10-04. Review status: criteria provided, single submitter. Criteria: Invitae Variant Classification Sherloc (09022015). Collection method: clinical testing. Allele origin: germline.

CeGaT Center for Human Genetics Tuebingen
Classification: Likely benign. Last evaluated: 2025-09-01. Review status: criteria provided, single submitter. Criteria: CeGaT Center For Human Genetics Tuebingen Variant Classification Criteria Version 2. Collection method: clinical testing. Allele origin: germline. Affected: yes. Observed: 6 variant alleles.
Comment: CACNA1A: BP4, BP7

Blueprint Genetics
Classification: Likely benign. Last evaluated: 2021-07-23. Review status: criteria provided, single submitter. Criteria: ACMG Guidelines, 2015. Collection method: clinical testing. Allele origin: germline.

GeneDx
Classification: Likely benign. Last evaluated: 2021-06-10. Review status: criteria provided, single submitter. Criteria: GeneDx Variant Classification Process June 2021. Collection method: clinical testing. Allele origin: germline. Affected: yes.

Athena Diagnostics
Classification: Likely benign. Last evaluated: 2017-09-28. Review status: criteria provided, single submitter. Criteria: Athena Diagnostics Criteria. Collection method: clinical testing. Allele origin: germline.

Ambry Genetics
Classification: Likely benign for Inborn genetic diseases. Last evaluated: 2016-12-07. Review status: criteria provided, single submitter. Criteria: Ambry Variant Classification Scheme 2023. Collection method: clinical testing. Allele origin: germline.